The following is an entry in ClinVar:

ClinVar aggregate classification (germline): Uncertain significance. Review status: criteria provided, multiple submitters, no conflicts (2 of 4 stars). 2 submissions from 2 submitters: Uncertain significance (2). Last evaluated 2025-11-03.

Conditions:
Brachyolmia-amelogenesis imperfecta syndrome. Also called: PLATYSPONDYLY WITH AMELOGENESIS IMPERFECTA; Tooth agenesis, selective, 6; Dental anomalies and short stature. Identifiers: Orphanet 2899, MedGen C1832594, MONDO:0011018, OMIM 601216. Disease mechanism: loss of function.
Inborn genetic diseases. Identifiers: MedGen C0950123, MeSH D030342.

Allele frequency attached by ClinVar (database versions not stated): gnomAD exomes below 0.00001; TOPMed below 0.00001; ExAC 0.00001.
gnomAD v4.1: 6 of 1,613,786 alleles (0.00037%); highest among the groups gnomAD compares: Non-Finnish European, 0.00051%; no homozygotes.

Submissions (2):

Labcorp Genetics (formerly Invitae), Labcorp
Classification: Uncertain significance for Brachyolmia-amelogenesis imperfecta syndrome. Last evaluated: 2025-11-03. Review status: criteria provided, single submitter. Criteria: Invitae Variant Classification Sherloc (09022015). Collection method: clinical testing. Allele origin: germline.
Comment: This sequence change replaces aspartic acid, which is acidic and polar, with histidine, which is basic and polar, at codon 930 of the LTBP3 protein (p.Asp930His). This variant is present in population databases (rs748291285, gnomAD 0.002%). This variant has not been reported in the literature in individuals affected with LTBP3-related conditions. ClinVar contains an entry for this variant (Variation ID: 2148616). An algorithm developed to predict the effect of missense changes on protein structure and function (PolyPhen-2) suggests that this variant is likely to be disruptive. In summary, the available evidence is currently insufficient to determine the role of this variant in disease. Therefore, it has been classified as a Variant of Uncertain Significance.

Ambry Genetics
Classification: Uncertain significance for Inborn genetic diseases. Last evaluated: 2024-05-25. Review status: criteria provided, single submitter. Criteria: Ambry Variant Classification Scheme 2023. Collection method: clinical testing. Allele origin: germline.
Comment: The p.D930H variant (also known as c.2788G>C), located in coding exon 20 of the LTBP3 gene, results from a G to C substitution at nucleotide position 2788. The aspartic acid at codon 930 is replaced by histidine, an amino acid with similar properties. This amino acid position is conserved. In addition, this alteration is predicted to be deleterious by in silico analysis. Based on the available evidence, the clinical significance of this variant remains unclear.

NM_001130144.3(LTBP3):c.2788G>C (p.Asp930His)

Gene: LTBP3 (latent transforming growth factor beta binding protein 3; minus strand). Cytogenetic location: 11q13.1.
Variant type: single nucleotide variant.
Coding change: c.2788G>C on transcript NM_001130144.3 (MANE Select); coding-DNA position 2788, G replaced by C.
Protein change: p.Asp930His; replaces aspartic acid 930 with histidine.
Molecular consequence: missense variant.
Genome position (GRCh38, 1-based): chr11:65,541,231, C>G on the plus strand (G>C on the coding strand, the complement: LTBP3 is on the minus strand). VCF-style: chr11-65541231-C-G. GRCh37 (hg19) VCF-style: chr11-65308702-C-G.
Other names: c.2437G>C, p.Asp813His (NM_001164266.1); c.2788G>C, p.Asp930His (NM_021070.4); c.2788G>C (NM_001130144.2); short protein forms D930H, D813H.
Identifiers: ClinVar variation 2148616 (VCV002148616.5), dbSNP rs748291285, ClinGen allele CA6100477.